The following is an entry in ClinVar:

ClinVar aggregate classification (germline): Conflicting classifications of pathogenicity. Review status: criteria provided, conflicting classifications (1 of 4 stars). 8 submissions from 8 submitters: Uncertain significance (6); Likely benign (1). 1 of the submissions does not count toward it. Last evaluated 2026-02-03.

Conditions:
MASS syndrome (OCTD). Also called: OVERLAP CONNECTIVE TISSUE DISEASE; MASS PHENOTYPE. Identifiers: MedGen C1858556, MONDO:0011431, OMIM 604308.
Progeroid and marfanoid aspect-lipodystrophy syndrome. Also called: MARFANOID-PROGEROID SYNDROME; MARFAN-PROGEROID-LIPODYSTROPHY SYNDROME; Marfan lipodystrophy syndrome; MARFANOID-PROGEROID-LIPODYSTROPHY SYNDROME. Identifiers: Orphanet 300382, MedGen C4310796, MONDO:0014831, OMIM 616914.
Ectopia lentis 1, isolated, autosomal dominant (ECTOL1). Identifiers: Orphanet 1885, MedGen C3541518, MONDO:0007514, OMIM 129600.
Weill-Marchesani syndrome 2, dominant. Also called: Weill-Marchesani Syndrome, Autosomal Dominant; FBN1-Related Weill-Marchesani Syndrome. Identifiers: Orphanet 2084, MedGen C1869115, MONDO:0012013, OMIM 608328.
Acromicric dysplasia (ACMICD). Also called: Acromicric skeletal dysplasia. Identifiers: Orphanet 969, MedGen C0265287, MONDO:0007055, OMIM 102370.
Geleophysic dysplasia 2 (GPHYSD2). Identifiers: Orphanet 2623, MedGen C3280054, MONDO:0013612, OMIM 614185.
Stiff skin syndrome (SSKS). Identifiers: Orphanet 2833, MedGen C1861456, MONDO:0008492, OMIM 184900.
Marfan syndrome (MFS). Also called: Marfan syndrome type 1; Marfan syndrome, classic; Marfan's syndrome; FBN1-Related Marfan Syndrome; MARFAN SYNDROME, TYPE I. Identifiers: Orphanet 284963, Orphanet 558, MedGen C0024796, MONDO:0007947, OMIM 154700.
Familial thoracic aortic aneurysm and aortic dissection (TAAD). Also called: Thoracic aortic aneurysms and dissections. Identifiers: Orphanet 91387, MedGen C4707243, MONDO:0019625.
FBN1-related disorder. Also called: FBN1-related disorders.

Allele frequency attached by ClinVar (database versions not stated): gnomAD exomes 0.00001 and below 0.00001; gnomAD 0.00004; TOPMed 0.00002.
gnomAD v4.1: 17 of 1,614,020 alleles (0.0011%); highest among the groups gnomAD compares: Non-Finnish European, 0.0014%; no homozygotes.

Submissions (8):

Labcorp Genetics (formerly Invitae), Labcorp
Classification: Likely benign for Marfan syndrome; Familial thoracic aortic aneurysm and aortic dissection. Last evaluated: 2026-02-03. Review status: criteria provided, single submitter. Criteria: Invitae Variant Classification Sherloc (09022015). Collection method: clinical testing. Allele origin: germline.

Ambry Genetics
Classification: Uncertain significance for Familial thoracic aortic aneurysm and aortic dissection. Last evaluated: 2025-10-24. Review status: criteria provided, single submitter. Criteria: Ambry Variant Classification Scheme 2023. Collection method: clinical testing. Allele origin: germline.
Comment: The p.F692Y variant (also known as c.2075T>A), located in coding exon 16 of the FBN1 gene, results from a T to A substitution at nucleotide position 2075. The phenylalanine at codon 692 is replaced by tyrosine, an amino acid with highly similar properties. This amino acid position is well conserved in available vertebrate species. In addition, the in silico prediction for this alteration is inconclusive. Based on the available evidence, the clinical significance of this variant remains unclear.

All of Us Research Program, National Institutes of Health
Classification: Uncertain significance for Marfan syndrome. Last evaluated: 2024-05-14. Review status: criteria provided, single submitter. Criteria: ACMG Guidelines, 2015. Collection method: clinical testing. Allele origin: germline. Inheritance: Autosomal dominant inheritance. Observed: 10 variant alleles, 10 heterozygotes.
Comment: This missense variant replaces phenylalanine with tyrosine at codon 692 of the FBN1 protein. Computational prediction tool suggests that this variant may not impact protein structure and function (internally defined REVEL score threshold <=0.5, PMID: 27666373). To our knowledge, functional studies have not been performed for this variant. This variant has not been reported in individuals affected with cardiovascular disorders in the literature. This variant has been identified in 2/282838 chromosomes in the general population by the Genome Aggregation Database (gnomAD). The available evidence is insufficient to determine the role of this variant in disease conclusively. Therefore, this variant is classified as a Variant of Uncertain Significance.

This study involves interpretation of variants in research participants for the purpose of population health screening. Participant phenotype was not available at the time of variant classification. Additional details can be found in publication PMID: 35346344, PMCID: PMC8962531

Color Diagnostics, LLC DBA Color Health
Classification: Uncertain significance for Familial thoracic aortic aneurysm and aortic dissection. Last evaluated: 2024-04-23. Review status: criteria provided, single submitter. Criteria: ACMG Guidelines, 2015. Collection method: clinical testing. Allele origin: germline.
Comment: This missense variant replaces phenylalanine with tyrosine at codon 692 of the FBN1 protein. Computational prediction tools indicate that this variant has a neutral impact on protein structure and function. To our knowledge, functional studies have not been reported for this variant. This variant has not been reported in individuals affected with FBN1-related disorders in the literature. This variant has been identified in 2/282838 chromosomes in the general population by the Genome Aggregation Database (gnomAD). The available evidence is insufficient to determine the role of this variant in disease conclusively. Therefore, this variant is classified as a Variant of Uncertain Significance.

GeneDx
Classification: Uncertain significance. Last evaluated: 2023-08-08. Review status: criteria provided, single submitter. Criteria: GeneDx Variant Classification Process June 2021. Collection method: clinical testing. Allele origin: germline. Affected: yes.
Comment: Has not been previously published as pathogenic or benign to our knowledge; Not observed at a significant frequency in large population cohorts (gnomAD); In silico analysis supports that this missense variant does not alter protein structure/function; Does not affect a cysteine residue within a calcium-binding EGF-like domain of the FBN1 gene; cysteine substitutions in the calcium-binding EGF-like domains represent the majority of pathogenic missense changes associated with FBN1-related disorders (Collod-Beroud et al., 2003)

Fulgent Genetics
Classification: Uncertain significance for Acromicric dysplasia; Ectopia lentis 1, isolated, autosomal dominant; Marfan syndrome; Stiff skin syndrome; MASS syndrome; Weill-Marchesani syndrome 2, dominant; Geleophysic dysplasia 2; Progeroid and marfanoid aspect-lipodystrophy syndrome. Last evaluated: 2021-09-03. Review status: criteria provided, single submitter. Criteria: ACMG Guidelines, 2015. Collection method: clinical testing. Allele origin: unknown.

Blueprint Genetics
Classification: Uncertain significance. Last evaluated: 2020-10-29. Review status: criteria provided, single submitter. Criteria: ACMG Guidelines, 2015. Collection method: clinical testing. Allele origin: germline.

PreventionGenetics, part of Exact Sciences
Classification: Uncertain significance for FBN1-related condition. Last evaluated: 2024-03-25. Review status: no assertion criteria provided. Collection method: clinical testing. Allele origin: germline. Not counted in ClinVar's aggregate classification.
Comment: The FBN1 c.2075T>A variant is predicted to result in the amino acid substitution p.Phe692Tyr. To our knowledge, this variant has not been reported in the literature. This variant is reported in 0.0015% of alleles in individuals of European (Non-Finnish) descent in gnomAD. At this time, the clinical significance of this variant is uncertain due to the absence of conclusive functional and genetic evidence.

NM_000138.5(FBN1):c.2075T>A (p.Phe692Tyr)

Gene: FBN1 (fibrillin 1; minus strand). Cytogenetic location: 15q21.1.
Variant type: single nucleotide variant.
Coding change: c.2075T>A on transcript NM_000138.5 (MANE Select); coding-DNA position 2075, T replaced by A.
Protein change: p.Phe692Tyr; replaces phenylalanine 692 with tyrosine.
Molecular consequence: missense variant.
Genome position (GRCh38, 1-based): chr15:48,503,825, A>T on the plus strand (T>A on the coding strand, the complement: FBN1 is on the minus strand). VCF-style: chr15-48503825-A-T. GRCh37 (hg19) VCF-style: chr15-48796022-A-T.
Other names: short protein forms F692Y.
Identifiers: ClinVar variation 519796 (VCV000519796.24), dbSNP rs955639059, ClinGen allele CA269548916.